The following is an entry in ClinVar:

NM_031407.7(HUWE1):c.4503C>T (p.Pro1501=)

Gene: HUWE1 (HECT, UBA and WWE domain containing E3 ubiquitin protein ligase 1; minus strand). Cytogenetic location: Xp11.22.
Variant type: single nucleotide variant.
Coding change: c.4503C>T on transcript NM_031407.7 (MANE Select); coding-DNA position 4503, C replaced by T.
Protein change: p.Pro1501=; no amino-acid change (proline 1501 retained).
Molecular consequence: synonymous variant.
Genome position (GRCh38, 1-based): chrX:53,588,493, G>A on the plus strand (C>T on the coding strand, the complement: HUWE1 is on the minus strand). VCF-style: chrX-53588493-G-A. GRCh37 (hg19) VCF-style: chrX-53615453-G-A.
Identifiers: ClinVar variation 129246 (VCV000129246.25), dbSNP rs144449744, ClinGen allele CA231175.

ClinVar aggregate classification (germline): Benign/Likely benign. Review status: criteria provided, multiple submitters, no conflicts (2 of 4 stars). 6 submissions from 6 submitters: Benign (2); Likely benign (3). 1 of the submissions does not count toward it. Last evaluated 2025-12-05.

Conditions:
Inborn genetic diseases. Identifiers: MedGen C0950123, MeSH D030342.
HUWE1-related disorder. Also called: HUWE1-related condition.

Allele frequency attached by ClinVar (database versions not stated): 1000 Genomes Project 30x 0.00021; 1000 Genomes Project 0.00026; gnomAD exomes 0.00084 and 0.00135; TOPMed 0.00087; gnomAD 0.00091 and 0.00095; ExAC 0.00109; ESP Exome Variant Server 0.00151.
gnomAD v4.1: 1,538 of 1,204,481 alleles (0.13%); highest among the groups gnomAD compares: Non-Finnish European, 0.16%; 1 homozygote.

Submissions (6):

Labcorp Genetics (formerly Invitae), Labcorp
Classification: Benign. Last evaluated: 2025-12-05. Review status: criteria provided, single submitter. Criteria: Invitae Variant Classification Sherloc (09022015). Collection method: clinical testing. Allele origin: germline.

Blueprint Genetics
Classification: Likely benign. Last evaluated: 2024-11-14. Review status: criteria provided, single submitter. Criteria: ACMG Guidelines, 2015. Collection method: clinical testing. Allele origin: germline.

GeneDx
Classification: Benign. Last evaluated: 2021-01-12. Review status: criteria provided, single submitter. Criteria: GeneDx Variant Classification Process June 2021. Collection method: clinical testing. Allele origin: germline. Affected: yes.

Ambry Genetics
Classification: Likely benign for Inborn genetic diseases. Last evaluated: 2019-11-15. Review status: criteria provided, single submitter. Criteria: Ambry Variant Classification Scheme 2023. Collection method: clinical testing. Allele origin: germline.

Genetic Services Laboratory, University of Chicago
Classification: Likely benign. Last evaluated: 2019-08-21. Review status: criteria provided, single submitter. Criteria: ACMG Guidelines, 2015. Collection method: clinical testing. Allele origin: germline. Affected: no.

PreventionGenetics, part of Exact Sciences
Classification: Likely benign for HUWE1-related condition. Last evaluated: 2021-12-03. Review status: no assertion criteria provided. Collection method: clinical testing. Allele origin: germline. Not counted in ClinVar's aggregate classification.
Comment: This variant is classified as likely benign based on ACMG/AMP sequence variant interpretation guidelines (Richards et al. 2015 PMID: 25741868, with internal and published modifications).